The following is an entry in ClinVar:

ClinVar aggregate classification (germline): Uncertain significance. Review status: criteria provided, multiple submitters, no conflicts (2 of 4 stars). 3 submissions from 3 submitters: Uncertain significance (3). Last evaluated 2026-05-14.

Conditions:
Inborn genetic diseases. Identifiers: MedGen C0950123, MeSH D030342.
Osteoporosis with pseudoglioma (OPPG). Also called: osteoporosis-pseudoglioma syndrome. Identifiers: Orphanet 2788, MedGen C0432252, MONDO:0009820, OMIM 259770.
Bone mineral density quantitative trait locus 1 (BMND1). Identifiers: MedGen C1866079, OMIM 601884.
Exudative vitreoretinopathy 4 (EVR4). Identifiers: Orphanet 891, MedGen C1866176, MONDO:0011151, OMIM 601813.
Worth disease. Also called: OSTEOSCLEROSIS, AUTOSOMAL DOMINANT; Autosomal dominant osteosclerosis, Worth type; ENDOSTEAL HYPEROSTOSIS, AUTOSOMAL DOMINANT. Identifiers: Orphanet 2790, MedGen C0432273, MONDO:0007764, OMIM 144750.
Polycystic liver disease 4 with or without kidney cysts. Identifiers: MedGen C4693479, MONDO:0044327, OMIM 617875.
Autosomal dominant osteopetrosis 1 (OPTA1). Also called: OSTEOPETROSIS, AUTOSOMAL DOMINANT, TYPE I. Identifiers: Orphanet 2783, MedGen C1843330, MONDO:0011877, OMIM 607634.

Allele frequency attached by ClinVar (database versions not stated): gnomAD exomes below 0.00001.
gnomAD v4.1: 4 of 1,613,072 alleles (0.00025%); highest among the groups gnomAD compares: South Asian, 0.0011%; no homozygotes.

Submissions (3):

Ambry Genetics
Classification: Uncertain significance for Inborn genetic diseases. Last evaluated: 2026-05-14. Review status: criteria provided, single submitter. Criteria: Ambry Variant Classification Scheme 2023. Collection method: clinical testing. Allele origin: germline.

Labcorp Genetics (formerly Invitae), Labcorp
Classification: Uncertain significance. Last evaluated: 2025-10-09. Review status: criteria provided, single submitter. Criteria: Invitae Variant Classification Sherloc (09022015). Collection method: clinical testing. Allele origin: germline.
Comment: This sequence change replaces arginine, which is basic and polar, with glutamine, which is neutral and polar, at codon 349 of the LRP5 protein (p.Arg349Gln). This variant is not present in population databases (gnomAD no frequency). This variant has not been reported in the literature in individuals affected with LRP5-related conditions. ClinVar contains an entry for this variant (Variation ID: 1054583). Invitae Evidence Modeling of protein sequence and biophysical properties (such as structural, functional, and spatial information, amino acid conservation, physicochemical variation, residue mobility, and thermodynamic stability) indicates that this missense variant is expected to disrupt LRP5 protein function with a positive predictive value of 95%. In summary, the available evidence is currently insufficient to determine the role of this variant in disease. Therefore, it has been classified as a Variant of Uncertain Significance.

Juno Genomics, Hangzhou Juno Genomics, Inc
Classification: Uncertain significance for Worth disease; Bone mineral density quantitative trait locus 1; Exudative vitreoretinopathy 4; Autosomal dominant osteopetrosis 1; Osteoporosis with pseudoglioma; Polycystic liver disease 4 with or without kidney cysts. Review status: criteria provided, single submitter. Criteria: ACMG Guidelines, 2015. Collection method: clinical testing. Allele origin: germline.
Comment: Absent from controls (or at extremely low frequency if recessive) in Genome Aggregation Database.;Missense variant in a gene that has a low rate of benign missense variation.;Multiple lines of computational evidence support a deleterious effect on the gene or gene product.

NM_002335.4(LRP5):c.1046G>A (p.Arg349Gln)

Gene: LRP5 (LDL receptor related protein 5; plus strand). Cytogenetic location: 11q13.2.
Variant type: single nucleotide variant.
Coding change: c.1046G>A on transcript NM_002335.4 (MANE Select); coding-DNA position 1046, G replaced by A.
Protein change: p.Arg349Gln; replaces arginine 349 with glutamine.
Molecular consequence: missense variant. On other transcripts: 5 prime UTR variant (1).
Genome position (GRCh38, 1-based): chr11:68,386,346, G>A. VCF-style: chr11-68386346-G-A. GRCh37 (hg19) VCF-style: chr11-68153814-G-A.
Other names: c.-720G>A (NM_001291902.2); c.1046G>A (NM_002335.2); short protein forms R349Q.
Identifiers: ClinVar variation 1054583 (VCV001054583.12), dbSNP rs1489569671, ClinGen allele CA381612127.